The following is an entry in ClinVar:

NM_004046.6(ATP5F1A):c.511C>T (p.Arg171Ter)

Gene: ATP5F1A (ATP synthase F1 subunit alpha; minus strand). Cytogenetic location: 18q21.1.
Variant type: single nucleotide variant.
Coding change: c.511C>T on transcript NM_004046.6 (MANE Select); coding-DNA position 511, C replaced by T.
Protein change: p.Arg171Ter; replaces arginine 171 with a stop codon.
Molecular consequence: nonsense.
Genome position (GRCh38, 1-based): chr18:46,089,705, G>A on the plus strand (C>T on the coding strand, the complement: ATP5F1A is on the minus strand). VCF-style: chr18-46089705-G-A. GRCh37 (hg19) VCF-style: chr18-43669671-G-A.
Other names: c.361C>T, p.Arg121Ter (NM_001001935.3, NM_001257335.2); c.511C>T, p.Arg171Ter (NM_001001937.2); c.445C>T, p.Arg149Ter (NM_001257334.2); short protein forms R121*, R149*, R171*.
Identifiers: ClinVar variation 3390561 (VCV003390561.1).
Genomic context (GRCh38, chr18:46,089,705, plus strand): 5'-TCTGCATTGGTTCCCGCACTGAAATTCGAGGAATGATACCGGGGGCTTTCAGACCAACTC[G>A]CCTACGCGTCTTGGAACCAATTGGACCCTGTTAAAAAATAAAAAGAAAAACCCTAAGCAT-3'

ClinVar aggregate classification (germline): Uncertain significance (1 of 4 stars; one submission).

Submission:

GeneDx
Classification: Uncertain significance. Last evaluated: 2024-06-11. Review status: criteria provided, single submitter. Criteria: GeneDx Variant Classification Process June 2021. Collection method: clinical testing. Allele origin: germline. Affected: yes.
Comment: Not observed at significant frequency in large population cohorts (gnomAD); Nonsense variant predicted to result in protein truncation or nonsense mediated decay in a gene or region of a gene for which loss of function is not a well-established mechanism of disease; Has not been previously published as pathogenic or benign to our knowledge